The following is an entry in ClinVar:

ClinVar aggregate classification (germline): Uncertain significance (1 of 4 stars; one submission).

Conditions:
Hypertrophic cardiomyopathy 25 (CMH25). Also called: CARDIOMYOPATHY, FAMILIAL HYPERTROPHIC, 25. Identifiers: MedGen C4225408, MONDO:0011843, OMIM 607487.
Primary familial hypertrophic cardiomyopathy (HCM). Identifiers: Orphanet 99739, MedGen C0949658, MeSH D024741, MONDO:0024573. Inheritance: Various modes of inheritance.

Submission:

Labcorp Genetics (formerly Invitae), Labcorp
Classification: Uncertain significance for Hypertrophic cardiomyopathy 25; Primary familial hypertrophic cardiomyopathy. Last evaluated: 2025-02-26. Review status: criteria provided, single submitter. Criteria: Invitae Variant Classification Sherloc (09022015). Collection method: clinical testing. Allele origin: germline.
Comment: This sequence change replaces proline, which is neutral and non-polar, with leucine, which is neutral and non-polar, at codon 92 of the TCAP protein (p.Pro92Leu). This variant is not present in population databases (gnomAD no frequency). This variant has not been reported in the literature in individuals affected with TCAP-related conditions. An algorithm developed to predict the effect of missense changes on protein structure and function (PolyPhen-2) suggests that this variant is likely to be disruptive. In summary, the available evidence is currently insufficient to determine the role of this variant in disease. Therefore, it has been classified as a Variant of Uncertain Significance.

NM_003673.4(TCAP):c.275C>T (p.Pro92Leu)

Gene: TCAP (titin-cap; plus strand). Cytogenetic location: 17q12.
Variant type: single nucleotide variant.
Coding change: c.275C>T on transcript NM_003673.4 (MANE Select); coding-DNA position 275, C replaced by T.
Protein change: p.Pro92Leu; replaces proline 92 with leucine.
Molecular consequence: missense variant.
Genome position (GRCh38, 1-based): chr17:39,665,880, C>T. VCF-style: chr17-39665880-C-T. GRCh37 (hg19) VCF-style: chr17-37822133-C-T.
Other names: short protein forms P92L.
Identifiers: ClinVar variation 4794700 (VCV004794700.1).
Genomic context (GRCh38, chr17:39,665,880, plus strand): 5'-GCATCCTCGGCCGTGGGCTGCAGGAGTACCAGCTGCCCTACCAGCGGGTACTGCCGCTGC[C>T]CATCTTCACCCCTGCCAAGATGGGCGCCACCAAGGAGGAGCGTGAGGACACCCCCATCCA-3'
Protein context (NP_003664.1, residues 82-102): QLPYQRVLPL[Pro92Leu]IFTPAKMGAT